The following is an entry in ClinVar:

ClinVar aggregate classification (germline): Conflicting classifications of pathogenicity. Review status: criteria provided, conflicting classifications (1 of 4 stars). 3 submissions from 3 submitters: Uncertain significance (2); Likely benign (1). Last evaluated 2025-07-03.

Conditions:
Brachyolmia-amelogenesis imperfecta syndrome. Also called: Dental anomalies and short stature; PLATYSPONDYLY WITH AMELOGENESIS IMPERFECTA; Tooth agenesis, selective, 6. Identifiers: Orphanet 2899, MedGen C1832594, MONDO:0011018, OMIM 601216. Disease mechanism: loss of function.
Inborn genetic diseases. Identifiers: MedGen C0950123, MeSH D030342.

Allele frequency attached by ClinVar (database versions not stated): gnomAD 0.00002; TOPMed 0.00002.
gnomAD v4.1: 110 of 1,614,062 alleles (0.0068%); highest among the groups gnomAD compares: Non-Finnish European, 0.009%; no homozygotes.

Submissions (3):

Labcorp Genetics (formerly Invitae), Labcorp
Classification: Uncertain significance for Brachyolmia-amelogenesis imperfecta syndrome. Last evaluated: 2025-07-03. Review status: criteria provided, single submitter. Criteria: Invitae Variant Classification Sherloc (09022015). Collection method: clinical testing. Allele origin: germline.
Comment: This sequence change replaces valine, which is neutral and non-polar, with methionine, which is neutral and non-polar, at codon 364 of the LTBP3 protein (p.Val364Met). This variant is present in population databases (rs769391647, gnomAD 0.006%). This variant has not been reported in the literature in individuals affected with LTBP3-related conditions. ClinVar contains an entry for this variant (Variation ID: 1388827). An algorithm developed to predict the effect of missense changes on protein structure and function outputs the following: PolyPhen-2: "Benign". The methionine amino acid residue is found in multiple mammalian species, which suggests that this missense change does not adversely affect protein function. In summary, the available evidence is currently insufficient to determine the role of this variant in disease. Therefore, it has been classified as a Variant of Uncertain Significance.

Ambry Genetics
Classification: Likely benign for Inborn genetic diseases. Last evaluated: 2025-04-06. Review status: criteria provided, single submitter. Criteria: Ambry Variant Classification Scheme 2023. Collection method: clinical testing. Allele origin: germline.

Blueprint Genetics
Classification: Uncertain significance. Last evaluated: 2024-08-08. Review status: criteria provided, single submitter. Criteria: ACMG Guidelines, 2015. Collection method: clinical testing. Allele origin: germline.

NM_001130144.3(LTBP3):c.1090G>A (p.Val364Met)

Gene: LTBP3 (latent transforming growth factor beta binding protein 3; minus strand). Cytogenetic location: 11q13.1.
Variant type: single nucleotide variant.
Coding change: c.1090G>A on transcript NM_001130144.3 (MANE Select); coding-DNA position 1090, G replaced by A.
Protein change: p.Val364Met; replaces valine 364 with methionine.
Molecular consequence: missense variant.
Genome position (GRCh38, 1-based): chr11:65,552,956, C>T on the plus strand (G>A on the coding strand, the complement: LTBP3 is on the minus strand). VCF-style: chr11-65552956-C-T. GRCh37 (hg19) VCF-style: chr11-65320427-C-T.
Other names: c.1090G>A (NM_001130144.2); c.739G>A, p.Val247Met (NM_001164266.1); c.1090G>A, p.Val364Met (NM_021070.4); short protein forms V247M, V364M.
Identifiers: ClinVar variation 1388827 (VCV001388827.10), dbSNP rs769391647, ClinGen allele CA6101066.